The following is an entry in ClinVar:

NM_000059.4(BRCA2):c.6791T>C (p.Leu2264Ser)

Gene: BRCA2 (BRCA2 DNA repair associated; plus strand). Cytogenetic location: 13q13.1.
Variant type: single nucleotide variant.
Coding change: c.6791T>C on transcript NM_000059.4 (MANE Select); coding-DNA position 6791, T replaced by C.
Protein change: p.Leu2264Ser; replaces leucine 2264 with serine.
Molecular consequence: missense variant.
Genome position (GRCh38, 1-based): chr13:32,341,146, T>C. VCF-style: chr13-32341146-T-C. GRCh37 (hg19) VCF-style: chr13-32915283-T-C.
Other names: short protein forms L2264S.
Identifiers: ClinVar variation 1501644 (VCV001501644.9), dbSNP rs1364062389, ClinGen allele CA387791313.

ClinVar aggregate classification (germline): Conflicting classifications of pathogenicity. Review status: criteria provided, conflicting classifications (1 of 4 stars). 2 submissions from 2 submitters: Uncertain significance (1); Likely benign (1). Last evaluated 2023-03-23.

Conditions:
Hereditary cancer-predisposing syndrome. Also called: Hereditary neoplastic syndrome; Tumor predisposition; Neoplastic Syndromes, Hereditary; Hereditary Cancer Syndrome. Identifiers: Orphanet 140162, MedGen C0027672, MeSH D009386, MONDO:0015356.
Hereditary breast ovarian cancer syndrome. Also called: Hereditary breast and ovarian cancer; Breast and ovarian cancer; BRCA1- and BRCA2-Associated Hereditary Breast and Ovarian Cancer; Hereditary breast and/or ovarian cancer syndrome; Hereditary breast and ovarian cancer syndrome; Hereditary breast and ovarian cancer syndrome (HBOC). Identifiers: Orphanet 145, MedGen C0677776, MeSH D061325, MONDO:0003582. Disease mechanism: loss of function.

Submissions (2):

University of Washington Department of Laboratory Medicine, University of Washington
Classification: Likely benign for Hereditary cancer-predisposing syndrome. Last evaluated: 2023-03-23. Review status: criteria provided, single submitter. Criteria: Dines et al. (Genet Med. 2020). Collection method: curation. Allele origin: germline.
Comment: Missense variant in a coldspot region where missense variants are very unlikely to be pathogenic (PMID:31911673).

BRCA2 exon 11 coldspot. Reclassification based on statistical prior probability.

Labcorp Genetics (formerly Invitae), Labcorp
Classification: Uncertain significance for Hereditary breast ovarian cancer syndrome. Last evaluated: 2021-03-11. Review status: criteria provided, single submitter. Criteria: Invitae Variant Classification Sherloc (09022015). Collection method: clinical testing. Allele origin: germline.
Comment: This sequence change replaces leucine with serine at codon 2264 of the BRCA2 protein (p.Leu2264Ser). The leucine residue is moderately conserved and there is a large physicochemical difference between leucine and serine. This variant is not present in population databases (ExAC no frequency). This variant has not been reported in the literature in individuals with BRCA2-related conditions. Advanced modeling of protein sequence and biophysical properties (such as structural, functional, and spatial information, amino acid conservation, physicochemical variation, residue mobility, and thermodynamic stability) performed at Invitae indicates that this missense variant is not expected to disrupt BRCA2 protein function. In summary, the available evidence is currently insufficient to determine the role of this variant in disease. Therefore, it has been classified as a Variant of Uncertain Significance.